The following is an entry in ClinVar:

NM_001267727.2(ARSG):c.1303+5G>T

Gene: ARSG (arylsulfatase G; plus strand). Cytogenetic location: 17q24.2.
Variant type: single nucleotide variant.
Coding change: c.1303+5G>T on transcript NM_001267727.2 (MANE Select); 5 bases into the intron after coding-DNA position 1303, G replaced by T.
Molecular consequence: intron variant.
Genome position (GRCh38, 1-based): chr17:68,401,455, G>T. VCF-style: chr17-68401455-G-T. GRCh37 (hg19) VCF-style: chr17-66397596-G-T.
Other names: c.1300+5G>T (NM_001352904.2, NM_001352903.2, NM_001352905.2 and 2 more transcripts); c.1303+5G>T (NM_014960.5, NM_001352910.2, NM_001352899.2 and 3 more transcripts); c.1255+5G>T (NM_001352909.2).
Identifiers: ClinVar variation 2117369 (VCV002117369.4), dbSNP rs2081467084, ClinGen allele CA2576368135.

ClinVar aggregate classification (germline): Uncertain significance (1 of 4 stars; one submission).

Allele frequency attached by ClinVar (database versions not stated): gnomAD exomes below 0.00001.
gnomAD v4.1: 2 of 1,613,476 alleles (0.00012%); highest among the groups gnomAD compares: Non-Finnish European, 0.00017%; no homozygotes.

Submission:

Labcorp Genetics (formerly Invitae), Labcorp
Classification: Uncertain significance. Last evaluated: 2024-08-05. Review status: criteria provided, single submitter. Criteria: Invitae Variant Classification Sherloc (09022015). Collection method: clinical testing. Allele origin: germline.
Comment: This sequence change falls in intron 11 of the ARSG gene. It does not directly change the encoded amino acid sequence of the ARSG protein. It affects a nucleotide within the consensus splice site. This variant is not present in population databases (gnomAD no frequency). This variant has not been reported in the literature in individuals affected with ARSG-related conditions. ClinVar contains an entry for this variant (Variation ID: 2117369). Variants that disrupt the consensus splice site are a relatively common cause of aberrant splicing (PMID: 17576681, 9536098). Algorithms developed to predict the effect of sequence changes on RNA splicing suggest that this variant may disrupt the consensus splice site. In summary, the available evidence is currently insufficient to determine the role of this variant in disease. Therefore, it has been classified as a Variant of Uncertain Significance.

Literature cited by the submitters: PubMed 17576681; PubMed 9536098.